The following is an entry in ClinVar:

ClinVar aggregate classification (germline): Uncertain significance (1 of 4 stars; one submission).

Conditions:
Emery-Dreifuss muscular dystrophy 5, autosomal dominant (EDMD5). Also called: EMERY-DREIFUSS MUSCULAR DYSTROPHY 5. Identifiers: Orphanet 261, MedGen C2751805, MONDO:0013072, OMIM 612999.

Allele frequency attached by ClinVar (database versions not stated): TOPMed 0.00006; gnomAD exomes 0.00009; ExAC 0.00010.
gnomAD v4.1: 21 of 1,614,050 alleles (0.0013%); highest among the groups gnomAD compares: Admixed American, 0.035%; no homozygotes.

Submission:

Labcorp Genetics (formerly Invitae), Labcorp
Classification: Uncertain significance for Emery-Dreifuss muscular dystrophy 5, autosomal dominant. Last evaluated: 2024-10-22. Review status: criteria provided, single submitter. Criteria: Invitae Variant Classification Sherloc (09022015). Collection method: clinical testing. Allele origin: germline.
Comment: This sequence change replaces glycine, which is neutral and non-polar, with glutamic acid, which is acidic and polar, at codon 2004 of the SYNE2 protein (p.Gly2004Glu). This variant is present in population databases (rs771507854, gnomAD 0.07%), and has an allele count higher than expected for a pathogenic variant. This variant has not been reported in the literature in individuals affected with SYNE2-related conditions. ClinVar contains an entry for this variant (Variation ID: 842003). An algorithm developed to predict the effect of missense changes on protein structure and function (PolyPhen-2) suggests that this variant is likely to be disruptive. In summary, the available evidence is currently insufficient to determine the role of this variant in disease. Therefore, it has been classified as a Variant of Uncertain Significance.

NM_182914.3(SYNE2):c.6011G>A (p.Gly2004Glu)

Gene: SYNE2 (spectrin repeat containing nuclear envelope protein 2; plus strand). Cytogenetic location: 14q23.2.
Variant type: single nucleotide variant.
Coding change: c.6011G>A on transcript NM_182914.3 (MANE Select); coding-DNA position 6011, G replaced by A.
Protein change: p.Gly2004Glu; replaces glycine 2004 with glutamic acid.
Molecular consequence: missense variant.
Genome position (GRCh38, 1-based): chr14:64,025,180, G>A. VCF-style: chr14-64025180-G-A. GRCh37 (hg19) VCF-style: chr14-64491898-G-A.
Other names: c.6011G>A, p.Gly2004Glu (NM_015180.6); short protein forms G2004E.
Identifiers: ClinVar variation 842003 (VCV000842003.7), dbSNP rs771507854, ClinGen allele CA7220613.
Genomic context (GRCh38, chr14:64,025,180, plus strand): 5'-GAATTTACAGGGAACAGTTTGAATCTGTGGCCCAATTGAACAACTCTTTGAAGGAATATG[G>A]GTTTACTGAAGAAGAAGAAATAATAATGGAAGCAACATGTTTGATGGATAGATACCAGAC-3'
Protein context (NP_878918.2, residues 1994-2014): AQLNNSLKEY[Gly2004Glu]FTEEEEIIME